The following is an entry in ClinVar:

ClinVar aggregate classification (germline): Uncertain significance. Review status: criteria provided, multiple submitters, no conflicts (2 of 4 stars). 2 submissions from 2 submitters: Uncertain significance (2). Last evaluated 2025-12-18.

Conditions:
Hereditary cancer-predisposing syndrome. Also called: Hereditary Cancer Syndrome; Tumor predisposition; Neoplastic Syndromes, Hereditary; Hereditary neoplastic syndrome. Identifiers: Orphanet 140162, MedGen C0027672, MeSH D009386, MONDO:0015356.

Allele frequency attached by ClinVar (database versions not stated): gnomAD exomes below 0.00001; TOPMed 0.00001.
gnomAD v4.1: 2 of 1,613,168 alleles (0.00012%); highest among the groups gnomAD compares: Non-Finnish European, 0.00017%; no homozygotes.

Submissions (2):

Ambry Genetics
Classification: Uncertain significance for Hereditary cancer-predisposing syndrome. Last evaluated: 2025-12-18. Review status: criteria provided, single submitter. Criteria: Ambry Variant Classification Scheme 2023. Collection method: clinical testing. Allele origin: germline.
Comment: The p.E732D variant (also known as c.2196A>C), located in coding exon 15 of the MSH3 gene, results from an A to C substitution at nucleotide position 2196. The glutamic acid at codon 732 is replaced by aspartic acid, an amino acid with highly similar properties. This amino acid position is not well conserved in available vertebrate species. In addition, this alteration is predicted to be tolerated by in silico analysis. Since supporting evidence is limited at this time, the clinical significance of this alteration remains unclear.

Labcorp Genetics (formerly Invitae), Labcorp
Classification: Uncertain significance. Last evaluated: 2025-03-30. Review status: criteria provided, single submitter. Criteria: Invitae Variant Classification Sherloc (09022015). Collection method: clinical testing. Allele origin: germline.
Comment: This sequence change replaces glutamic acid, which is acidic and polar, with aspartic acid, which is acidic and polar, at codon 732 of the MSH3 protein (p.Glu732Asp). This variant is not present in population databases (gnomAD no frequency). This variant has not been reported in the literature in individuals affected with MSH3-related conditions. ClinVar contains an entry for this variant (Variation ID: 848256). An algorithm developed to predict the effect of missense changes on protein structure and function outputs the following: PolyPhen-2: "Benign". The aspartic acid amino acid residue is found in multiple mammalian species, which suggests that this missense change does not adversely affect protein function. In summary, the available evidence is currently insufficient to determine the role of this variant in disease. Therefore, it has been classified as a Variant of Uncertain Significance.

NM_002439.5(MSH3):c.2196A>C (p.Glu732Asp)

Gene: MSH3 (mutS homolog 3; plus strand). Cytogenetic location: 5q14.1.
Variant type: single nucleotide variant.
Coding change: c.2196A>C on transcript NM_002439.5 (MANE Select); coding-DNA position 2196, A replaced by C.
Protein change: p.Glu732Asp; replaces glutamic acid 732 with aspartic acid.
Molecular consequence: missense variant.
Genome position (GRCh38, 1-based): chr5:80,768,946, A>C. VCF-style: chr5-80768946-A-C. GRCh37 (hg19) VCF-style: chr5-80064765-A-C.
Other names: short protein forms E732D.
Identifiers: ClinVar variation 848256 (VCV000848256.11), dbSNP rs1744170638, ClinGen allele CA360279598.